The following is an entry in ClinVar:

ClinVar aggregate classification (germline): Likely pathogenic (1 of 4 stars; one submission).

Conditions:
Multiple acyl-CoA dehydrogenase deficiency (MADD). Also called: Glutaric Acidemia type 2; ETHYLMALONIC-ADIPICACIDURIA; GA II; Glutaric aciduria, type 2; Glutaric acidemia type II; GA 2. Identifiers: Orphanet 26791, MedGen C0268596, MONDO:0009282, OMIM 231680.

gnomAD v4.1: 1 of 1,589,902 alleles (0.000063%); highest among the groups gnomAD compares: South Asian, 0.0011%; no homozygotes.

Submission:

Labcorp Genetics (formerly Invitae), Labcorp
Classification: Likely pathogenic for Multiple acyl-CoA dehydrogenase deficiency. Last evaluated: 2024-01-31. Review status: criteria provided, single submitter. Criteria: Invitae Variant Classification Sherloc (09022015). Collection method: clinical testing. Allele origin: germline.
Comment: This sequence change affects an acceptor splice site in intron 7 of the ETFDH gene. It is expected to disrupt RNA splicing. Variants that disrupt the donor or acceptor splice site typically lead to a loss of protein function (PMID: 16199547), and loss-of-function variants in ETFDH are known to be pathogenic (PMID: 16510302, 23785301). This variant is not present in population databases (gnomAD no frequency). Disruption of this splice site has been observed in individual(s) with glutaric aciduria type 2 (PMID: 20837308). Algorithms developed to predict the effect of sequence changes on RNA splicing suggest that this variant may disrupt the consensus splice site. In summary, the currently available evidence indicates that the variant is pathogenic, but additional data are needed to prove that conclusively. Therefore, this variant has been classified as Likely Pathogenic.

Literature cited by the submitters: PubMed 16199547; PubMed 16510302; PubMed 23785301; PubMed 20837308.

NM_004453.4(ETFDH):c.832-1G>A

Gene: ETFDH (electron transfer flavoprotein dehydrogenase; plus strand). Cytogenetic location: 4q32.1.
Variant type: single nucleotide variant.
Coding change: c.832-1G>A on transcript NM_004453.4 (MANE Select); the canonical splice acceptor site of the intron before coding-DNA position 832, G replaced by A.
Molecular consequence: splice acceptor variant.
Genome position (GRCh38, 1-based): chr4:158,697,558, G>A. VCF-style: chr4-158697558-G-A. GRCh37 (hg19) VCF-style: chr4-159618710-G-A.
Other names: c.691-1G>A (NM_001281737.2); c.649-1G>A (NM_001281738.1).
Identifiers: ClinVar variation 2734680 (VCV002734680.3), dbSNP rs1291408658, ClinGen allele CA358561173.